The following is an entry in ClinVar:

ClinVar aggregate classification (germline): Uncertain significance. Review status: criteria provided, multiple submitters, no conflicts (2 of 4 stars). 2 submissions from 2 submitters: Uncertain significance (2). Last evaluated 2023-06-05.

Conditions:
Autosomal dominant hypocalcemia 1 (HYPOC1). Also called: HYPOCALCEMIA, FAMILIAL. Identifiers: MedGen C3715128, MONDO:0011013, OMIM 601198.
Familial hypocalciuric hypercalcemia (FHH). Also called: Familial benign hypercalcemia. Identifiers: Orphanet 405, MedGen C1809471, MONDO:0018458.

Submissions (2):

Labcorp Genetics (formerly Invitae), Labcorp
Classification: Uncertain significance for Familial hypocalciuric hypercalcemia; Autosomal dominant hypocalcemia 1. Last evaluated: 2023-06-05. Review status: criteria provided, single submitter. Criteria: Invitae Variant Classification Sherloc (09022015). Collection method: clinical testing. Allele origin: germline.
Comment: In summary, the available evidence is currently insufficient to determine the role of this variant in disease. Therefore, it has been classified as a Variant of Uncertain Significance. This variant disrupts the p.Gly553 amino acid residue in CASR. Other variant(s) that disrupt this residue have been determined to be pathogenic (PMID: 10885494, 19389809). This suggests that this residue is clinically significant, and that variants that disrupt this residue are likely to be disease-causing. An algorithm developed to predict the effect of missense changes on protein structure and function (PolyPhen-2) suggests that this variant is likely to be disruptive. ClinVar contains an entry for this variant (Variation ID: 652928). This missense change has been observed in individual(s) with hypercalcinemia (Invitae). This variant is not present in population databases (gnomAD no frequency). This sequence change replaces glycine, which is neutral and non-polar, with valine, which is neutral and non-polar, at codon 553 of the CASR protein (p.Gly553Val).

Athena Diagnostics
Classification: Uncertain significance. Last evaluated: 2019-05-30. Review status: criteria provided, single submitter. Criteria: Athena Diagnostics Criteria. Collection method: clinical testing. Allele origin: germline.

Literature cited by the submitters: PubMed 10885494 (cited by Labcorp Genetics (formerly Invitae), Labcorp); PubMed 19389809 (cited by Labcorp Genetics (formerly Invitae), Labcorp).

NM_000388.4(CASR):c.1658G>T (p.Gly553Val)

Gene: CASR (calcium sensing receptor; plus strand). Cytogenetic location: 3q21.1.
Variant type: single nucleotide variant.
Coding change: c.1658G>T on transcript NM_000388.4 (MANE Select); coding-DNA position 1658, G replaced by T.
Protein change: p.Gly553Val; replaces glycine 553 with valine.
Molecular consequence: missense variant.
Genome position (GRCh38, 1-based): chr3:122,282,162, G>T. VCF-style: chr3-122282162-G-T. GRCh37 (hg19) VCF-style: chr3-122001009-G-T.
Other names: c.1688G>T, p.Gly563Val (NM_001178065.2); short protein forms G563V, G553V.
Identifiers: ClinVar variation 652928 (VCV000652928.10), dbSNP rs1576875807, ClinGen allele CA354156214.